The following is an entry in ClinVar:

NM_004525.3(LRP2):c.12811+2T>G

Gene: LRP2 (LDL receptor related protein 2; minus strand). Cytogenetic location: 2q31.1.
Variant type: single nucleotide variant.
Coding change: c.12811+2T>G on transcript NM_004525.3 (MANE Select); the canonical splice donor site of the intron after coding-DNA position 12811, T replaced by G.
Molecular consequence: splice donor variant.
Genome position (GRCh38, 1-based): chr2:169,146,737, A>C on the plus strand (T>G on the coding strand, the complement: LRP2 is on the minus strand). VCF-style: chr2-169146737-A-C. GRCh37 (hg19) VCF-style: chr2-170003247-A-C.
Identifiers: ClinVar variation 2696478 (VCV002696478.3), dbSNP rs2545663203, ClinGen allele CA349129081.

ClinVar aggregate classification (germline): Likely pathogenic (1 of 4 stars; one submission).

Allele frequency attached by ClinVar (database versions not stated): gnomAD exomes below 0.00001.
gnomAD v4.1: 1 of 1,606,070 alleles (0.000062%); highest among the groups gnomAD compares: Non-Finnish European, 0.000085%; no homozygotes.

Submission:

Labcorp Genetics (formerly Invitae), Labcorp
Classification: Likely pathogenic. Last evaluated: 2023-11-17. Review status: criteria provided, single submitter. Criteria: Invitae Variant Classification Sherloc (09022015). Collection method: clinical testing. Allele origin: germline.
Comment: This sequence change affects a donor splice site in intron 69 of the LRP2 gene. It is expected to disrupt RNA splicing. Variants that disrupt the donor or acceptor splice site typically lead to a loss of protein function (PMID: 16199547), and loss-of-function variants in LRP2 are known to be pathogenic (PMID: 17632512, 25682901). This variant is not present in population databases (gnomAD no frequency). This variant has not been reported in the literature in individuals affected with LRP2-related conditions. Algorithms developed to predict the effect of sequence changes on RNA splicing suggest that this variant may disrupt the consensus splice site. In summary, the currently available evidence indicates that the variant is pathogenic, but additional data are needed to prove that conclusively. Therefore, this variant has been classified as Likely Pathogenic.

Literature cited by the submitters: PubMed 16199547; PubMed 17632512; PubMed 25682901.